The following is an entry in ClinVar:

NM_001458.5(FLNC):c.5182A>G (p.Ser1728Gly)

Gene: FLNC (filamin C; plus strand). Cytogenetic location: 7q32.1.
Variant type: single nucleotide variant.
Coding change: c.5182A>G on transcript NM_001458.5 (MANE Select); coding-DNA position 5182, A replaced by G.
Protein change: p.Ser1728Gly; replaces serine 1728 with glycine.
Molecular consequence: missense variant.
Genome position (GRCh38, 1-based): chr7:128,849,561, A>G. VCF-style: chr7-128849561-A-G. GRCh37 (hg19) VCF-style: chr7-128489615-A-G.
Other names: c.5182A>G, p.Ser1728Gly (NM_001127487.2); short protein forms S1728G.
Identifiers: ClinVar variation 472089 (VCV000472089.6), dbSNP rs1554400248, ClinGen allele CA369204368.
Genomic context (GRCh38, chr7:128,849,561, plus strand): 5'-GCGCCCGAGCCGGGCAAGTACGTCATCACCATCCGCTTCGGGGGTGAGCACATCCCCAAC[A>G]GCCCCTTCCACGTGCTGGTAAGTTCTGTAGCCACAGCAAGACTAGATGGCTGGGGAGGGG-3'
Protein context (NP_001449.3, residues 1718-1738): IRFGGEHIPN[Ser1728Gly]PFHVLACDPL

ClinVar aggregate classification (germline): Uncertain significance (1 of 4 stars; one submission).

Conditions:
Distal myopathy with posterior leg and anterior hand involvement. Also called: WILLIAMS DISTAL MYOPATHY. Identifiers: Orphanet 63273, MedGen C3279722, MONDO:0013550, OMIM 614065.
Dilated Cardiomyopathy, Dominant.
Myofibrillar myopathy 5. Also called: Filaminopathy (type); FILAMINOPATHY, AUTOSOMAL DOMINANT. Identifiers: Orphanet 171445, MedGen C1836050, MONDO:0012289, OMIM 609524.
Hypertrophic cardiomyopathy 26. Also called: Cardiomyopathy, familial hypertrophic, 26. Identifiers: Orphanet 75249, MedGen C4310749, MONDO:0014883, OMIM 617047.

Submission:

Labcorp Genetics (formerly Invitae), Labcorp
Classification: Uncertain significance for Distal myopathy with posterior leg and anterior hand involvement; Myofibrillar myopathy 5; Hypertrophic cardiomyopathy 26. Last evaluated: 2022-07-11. Review status: criteria provided, single submitter. Criteria: Invitae Variant Classification Sherloc (09022015). Collection method: clinical testing. Allele origin: germline.
Comment: This sequence change replaces serine, which is neutral and polar, with glycine, which is neutral and non-polar, at codon 1728 of the FLNC protein (p.Ser1728Gly). This variant is not present in population databases (gnomAD no frequency). This variant has not been reported in the literature in individuals affected with FLNC-related conditions. ClinVar contains an entry for this variant (Variation ID: 472089). Algorithms developed to predict the effect of missense changes on protein structure and function are either unavailable or do not agree on the potential impact of this missense change (SIFT: "Tolerated"; PolyPhen-2: "Probably Damaging"; Align-GVGD: "Class C0"). In summary, the available evidence is currently insufficient to determine the role of this variant in disease. Therefore, it has been classified as a Variant of Uncertain Significance.